The following is an entry in ClinVar:

NM_000173.7(GP1BA):c.1039G>T (p.Glu347Ter)

Gene: GP1BA (glycoprotein Ib platelet subunit alpha; plus strand). Cytogenetic location: 17p13.2.
Variant type: single nucleotide variant.
Coding change: c.1039G>T on transcript NM_000173.7 (MANE Select); coding-DNA position 1039, G replaced by T.
Protein change: p.Glu347Ter; replaces glutamic acid 347 with a stop codon.
Molecular consequence: nonsense.
Genome position (GRCh38, 1-based): chr17:4,933,643, G>T. VCF-style: chr17-4933643-G-T. GRCh37 (hg19) VCF-style: chr17-4836938-G-T.
Other names: NM_000173.7:c.1039G>T; short protein forms E347*.
Identifiers: ClinVar variation 3775064 (VCV003775064.1).

ClinVar aggregate classification (germline): Likely pathogenic (3 of 4 stars; one submission).

Conditions:
Bernard Soulier syndrome (BSS). Also called: GLYCOPROTEIN Ib, PLATELET, DEFICIENCY OF; PLATELET GLYCOPROTEIN Ib DEFICIENCY; VON WILLEBRAND FACTOR RECEPTOR DEFICIENCY; Giant platelet syndrome; Hemorrhagiparous thrombocytic dystrophy; Giant platelet disease. Identifiers: Orphanet 274, MedGen C0005129, MeSH D001606, MONDO:0009276, OMIM 231200.

Submission:

ClinGen Platelet Disorders Variant Curation Expert Panel, ClinGen
Classification: Likely pathogenic for Bernard Soulier syndrome. Last evaluated: 2025-02-11. Review status: reviewed by expert panel. Criteria: ClinGen Platelet ACMG Specifications GP1BA V1.0.0. Collection method: curation. Allele origin: germline. Inheritance: Autosomal recessive inheritance.
Comment: The NM_000173.7(GP1BA):c.1039G>T (p.Glu347Ter) variant is a nonsense variant in exon 2 of 2, that may cause loss of function of the protein; it is predicted to escape nonsense mediated decay and truncate 47% of the protein (PVS1_Strong). One patient has been reported with this variant (Case I, of PMID: 23414566) and had no aggregation response to ristocetin and decreased thrombin-induced aggregation but normal aggregation with ADP and collagen, additionally GPIbα expression was completely absent on patient platelets, which is highly specific to Bernard-Soulier syndrome (PP4). This variant is absent from gnomAD v4.1 (PM2_Supporting). In summary, this variant meets the criteria to be classified as Likely Pathogenic for autosomal recessive Bernard-Soulier syndrome based on the ACMG/AMP criteria applied, as specified by the ClinGen PD VCEP: PVS1_strong, PP4, PM2_supporting.